The following is an entry in ClinVar:

NM_006059.4(LAMC3):c.2744G>A (p.Arg915Gln)

Gene: LAMC3 (laminin subunit gamma 3; plus strand). Cytogenetic location: 9q34.12.
Variant type: single nucleotide variant.
Coding change: c.2744G>A on transcript NM_006059.4 (MANE Select); coding-DNA position 2744, G replaced by A.
Protein change: p.Arg915Gln; replaces arginine 915 with glutamine.
Molecular consequence: missense variant.
Genome position (GRCh38, 1-based): chr9:131,068,228, G>A. VCF-style: chr9-131068228-G-A. GRCh37 (hg19) VCF-style: chr9-133943615-G-A.
Other names: short protein forms R915Q.
Identifiers: ClinVar variation 377236 (VCV000377236.20), dbSNP rs749496192, ClinGen allele CA5287550.

ClinVar aggregate classification (germline): Conflicting classifications of pathogenicity. Review status: criteria provided, conflicting classifications (1 of 4 stars). 5 submissions from 5 submitters: Uncertain significance (3); Likely benign (1). 1 of the submissions does not count toward it. Last evaluated 2024-11-27.

Conditions:
Inborn genetic diseases. Identifiers: MedGen C0950123, MeSH D030342.
Intellectual disability. Also called: Intellectual developmental disorder; Intellectual functioning disability; intellectual disabilities. Identifiers: MedGen C3714756, MeSH D008607, MONDO:0001071, HP:0001249.
Occipital pachygyria and polymicrogyria. Identifiers: Orphanet 280640, MedGen C3279875, MONDO:0013583, OMIM 614115.

Allele frequency attached by ClinVar (database versions not stated): ExAC 0.00005; gnomAD exomes 0.00009 and 0.00006; TOPMed 0.00003; gnomAD 0.00006 and 0.00005.
gnomAD v4.1: 137 of 1,609,130 alleles (0.0085%); highest among the groups gnomAD compares: Middle Eastern, 0.017%; no homozygotes.

Submissions (5):

Labcorp Genetics (formerly Invitae), Labcorp
Classification: Uncertain significance. Last evaluated: 2024-11-27. Review status: criteria provided, single submitter. Criteria: Invitae Variant Classification Sherloc (09022015). Collection method: clinical testing. Allele origin: germline.
Comment: This sequence change replaces arginine, which is basic and polar, with glutamine, which is neutral and polar, at codon 915 of the LAMC3 protein (p.Arg915Gln). This variant is present in population databases (rs749496192, gnomAD 0.009%). This variant has not been reported in the literature in individuals affected with LAMC3-related conditions. ClinVar contains an entry for this variant (Variation ID: 377236). An algorithm developed to predict the effect of missense changes on protein structure and function outputs the following: PolyPhen-2: "Benign". The glutamine amino acid residue is found in multiple mammalian species, which suggests that this missense change does not adversely affect protein function. In summary, the available evidence is currently insufficient to determine the role of this variant in disease. Therefore, it has been classified as a Variant of Uncertain Significance.

Ambry Genetics
Classification: Likely benign for Inborn genetic diseases. Last evaluated: 2023-06-13. Review status: criteria provided, single submitter. Criteria: Ambry Variant Classification Scheme 2023. Collection method: clinical testing. Allele origin: germline.

GeneDx
Classification: Uncertain significance. Last evaluated: 2023-02-08. Review status: criteria provided, single submitter. Criteria: GeneDx Variant Classification Process June 2021. Collection method: clinical testing. Allele origin: germline. Affected: yes.
Comment: Not observed at significant frequency in large population cohorts (gnomAD); In silico analysis supports that this missense variant does not alter protein structure/function; Has not been previously published as pathogenic or benign to our knowledge

Center for Pediatric Genomic Medicine, Children's Mercy Hospital and Clinics
Classification: Uncertain significance. Last evaluated: 2017-01-31. Review status: criteria provided, single submitter. Criteria: ACMG Guidelines, 2015. Collection method: clinical testing. Allele origin: germline.
ClinVar note: Converted during submission from Uncertain Significance to Uncertain significance.

Centre de Biologie Pathologie Génétique, Centre Hospitalier Universitaire de Lille
Classification: Uncertain significance for Intellectual disability. Last evaluated: 2019-01-01. Review status: no assertion criteria provided. Collection method: clinical testing. Allele origin: unknown. Affected: yes. Not counted in ClinVar's aggregate classification.